The following is an entry in ClinVar:

NM_001358921.2(COQ2):c.-4C>A

Genes: COQ2 (coenzyme Q2, polyprenyltransferase; minus strand), LOC112997540 (Sharpr-MPRA regulatory region 13773; plus strand). Cytogenetic location: 4q21.23.
Variant type: single nucleotide variant.
Coding change: c.-4C>A on transcript NM_001358921.2 (MANE Select); 4 bases upstream of the start codon, C replaced by A.
Molecular consequence: 5 prime UTR variant. On other transcripts: missense variant (1).
Genome position (GRCh38, 1-based): chr4:83,284,768, G>T on the plus strand (C>A on the coding strand, the complement: COQ2 is on the minus strand). VCF-style: chr4-83284768-G-T. GRCh37 (hg19) VCF-style: chr4-84205921-G-T.
Other names: c.147C>A (NM_015697.7); c.147C>A, p.Ser49Arg (NM_015697.9); short protein forms S49R.
Identifiers: ClinVar variation 1934045 (VCV001934045.6), dbSNP rs750604213, ClinGen allele CA100656716.

ClinVar aggregate classification (germline): Uncertain significance. Review status: criteria provided, multiple submitters, no conflicts (2 of 4 stars). 2 submissions from 2 submitters: Uncertain significance (2). Last evaluated 2024-03-05.

Conditions:
Inborn genetic diseases. Identifiers: MedGen C0950123, MeSH D030342.

Allele frequency attached by ClinVar (database versions not stated): TOPMed 0.00001.
gnomAD v4.1: 11 of 1,556,230 alleles (0.00071%); highest among the groups gnomAD compares: East Asian, 0.019%; no homozygotes.

Submissions (2):

Ambry Genetics
Classification: Uncertain significance for Inborn genetic diseases. Last evaluated: 2024-03-05. Review status: criteria provided, single submitter. Criteria: Ambry Variant Classification Scheme 2023. Collection method: clinical testing. Allele origin: germline.

Labcorp Genetics (formerly Invitae), Labcorp
Classification: Uncertain significance. Last evaluated: 2023-05-22. Review status: criteria provided, single submitter. Criteria: Invitae Variant Classification Sherloc (09022015). Collection method: clinical testing. Allele origin: germline.
Comment: This sequence change replaces serine, which is neutral and polar, with arginine, which is basic and polar, at codon 49 of the COQ2 protein (p.Ser49Arg). The frequency data for this variant in the population databases is considered unreliable, as metrics indicate poor data quality at this position in the gnomAD database. In summary, the available evidence is currently insufficient to determine the role of this variant in disease. Therefore, it has been classified as a Variant of Uncertain Significance. An algorithm developed to predict the effect of missense changes on protein structure and function (PolyPhen-2) suggests that this variant is likely to be tolerated. ClinVar contains an entry for this variant (Variation ID: 1934045). This variant has not been reported in the literature in individuals affected with COQ2-related conditions.